The following is an entry in ClinVar:

NM_014806.5(RUSC2):c.1568G>A (p.Arg523His)

Gene: RUSC2 (RUN and SH3 domain containing 2; plus strand). Cytogenetic location: 9p13.3.
Variant type: single nucleotide variant.
Coding change: c.1568G>A on transcript NM_014806.5 (MANE Select); coding-DNA position 1568, G replaced by A.
Protein change: p.Arg523His; replaces arginine 523 with histidine.
Molecular consequence: missense variant. On other transcripts: non-coding transcript variant (1), intron variant (1).
Genome position (GRCh38, 1-based): chr9:35,548,089, G>A. VCF-style: chr9-35548089-G-A. GRCh37 (hg19) VCF-style: chr9-35548086-G-A.
Other names: c.1568G>A, p.Arg523His (NM_001135999.2); c.-620-6971G>A (NM_001330740.2); short protein forms R523H.
Identifiers: ClinVar variation 1031865 (VCV001031865.7), dbSNP rs753457122, ClinGen allele CA5043676.

ClinVar aggregate classification (germline): Uncertain significance. Review status: criteria provided, multiple submitters, no conflicts (2 of 4 stars). 3 submissions from 3 submitters: Uncertain significance (3). Last evaluated 2025-04-30.

Conditions:
Intellectual developmental disorder, autosomal recessive 61. Also called: ALWADEI SYNDROME; Intellectual disability, autosomal recessive 61; MENTAL RETARDATION, AUTOSOMAL RECESSIVE 61. Identifiers: MedGen C4540424, MONDO:0030915, OMIM 617773.

Allele frequency attached by ClinVar (database versions not stated): gnomAD exomes 0.00002; gnomAD 0.00002; ExAC 0.00001; TOPMed 0.00002.
gnomAD v4.1: 31 of 1,613,006 alleles (0.0019%); highest among the groups gnomAD compares: Middle Eastern, 0.016%; no homozygotes.

Submissions (3):

Ambry Genetics
Classification: Uncertain significance. Last evaluated: 2025-04-30. Review status: criteria provided, single submitter. Criteria: Ambry Variant Classification Scheme 2023. Collection method: clinical testing. Allele origin: germline.

Labcorp Genetics (formerly Invitae), Labcorp
Classification: Uncertain significance. Last evaluated: 2022-07-05. Review status: criteria provided, single submitter. Criteria: Invitae Variant Classification Sherloc (09022015). Collection method: clinical testing. Allele origin: germline.
Comment: In summary, the available evidence is currently insufficient to determine the role of this variant in disease. Therefore, it has been classified as a Variant of Uncertain Significance. Algorithms developed to predict the effect of missense changes on protein structure and function are either unavailable or do not agree on the potential impact of this missense change (SIFT: "Deleterious"; PolyPhen-2: "Probably Damaging"; Align-GVGD: "Class C0"). ClinVar contains an entry for this variant (Variation ID: 1031865). This variant has not been reported in the literature in individuals affected with RUSC2-related conditions. This variant is present in population databases (rs753457122, gnomAD 0.007%). This sequence change replaces arginine, which is basic and polar, with histidine, which is basic and polar, at codon 523 of the RUSC2 protein (p.Arg523His).

Baylor Genetics
Classification: Uncertain significance for Intellectual developmental disorder, autosomal recessive 61. Last evaluated: 2018-12-19. Review status: criteria provided, single submitter. Criteria: ACMG Guidelines, 2015. Collection method: clinical testing. Allele origin: paternal. Affected: yes.
Comment: This variant was determined to be of uncertain significance according to ACMG Guidelines, 2015 [PMID:25741868].